The following is an entry in ClinVar:

NM_020859.4(SHROOM3):c.3870G>A (p.Pro1290=)

Genes: SHROOM3 (shroom family member 3; plus strand), SHROOM3-AS1 (SHROOM3 antisense RNA 1; minus strand). Cytogenetic location: 4q21.1.
Variant type: single nucleotide variant.
Coding change: c.3870G>A on transcript NM_020859.4 (MANE Select); coding-DNA position 3870, G replaced by A.
Protein change: p.Pro1290=; no amino-acid change (proline 1290 retained).
Molecular consequence: synonymous variant.
Genome position (GRCh38, 1-based): chr4:76,754,353, G>A. VCF-style: chr4-76754353-G-A. GRCh37 (hg19) VCF-style: chr4-77675506-G-A.
Identifiers: ClinVar variation 3051250 (VCV003051250.3), dbSNP rs148411700, ClinGen allele CA2972912.

ClinVar aggregate classification (germline): Likely benign. Review status: criteria provided, single submitter (1 of 4 stars). 2 submissions from 2 submitters: Likely benign (1). 1 of the submissions does not count toward it. Last evaluated 2024-09-18.

Conditions:
SHROOM3-related disorder. Also called: SHROOM3-related condition.

Allele frequency attached by ClinVar (database versions not stated): gnomAD exomes 0.00037; gnomAD 0.00080; TOPMed 0.00090; ESP Exome Variant Server 0.00023; ExAC 0.00115; 1000 Genomes Project 30x 0.00187; 1000 Genomes Project 0.00240.
gnomAD v4.1: 677 of 1,614,158 alleles (0.042%); highest among the groups gnomAD compares: East Asian, 1.3%; no homozygotes.

Submissions (2):

Blueprint Genetics
Classification: Likely benign. Last evaluated: 2024-09-18. Review status: criteria provided, single submitter. Criteria: ACMG Guidelines, 2015. Collection method: clinical testing. Allele origin: germline.

PreventionGenetics, part of Exact Sciences
Classification: Benign for SHROOM3-related condition. Last evaluated: 2020-01-20. Review status: no assertion criteria provided. Collection method: clinical testing. Allele origin: germline. Not counted in ClinVar's aggregate classification.
Comment: This variant is classified as benign based on ACMG/AMP sequence variant interpretation guidelines (Richards et al. 2015 PMID: 25741868, with internal and published modifications).